The following is an entry in ClinVar:

NM_004284.6(CHD1L):c.2212C>T (p.His738Tyr)

Gene: CHD1L (chromodomain helicase DNA binding protein 1 like; plus strand). Cytogenetic location: 1q21.1.
Variant type: single nucleotide variant.
Coding change: c.2212C>T on transcript NM_004284.6 (MANE Select); coding-DNA position 2212, C replaced by T.
Protein change: p.His738Tyr; replaces histidine 738 with tyrosine.
Molecular consequence: missense variant. On other transcripts: non-coding transcript variant (16).
Genome position (GRCh38, 1-based): chr1:147,286,491, C>T. VCF-style: chr1-147286491-C-T. GRCh37 (hg19) VCF-style: chr1-146758168-C-T.
Other names: c.1912C>T, p.His638Tyr (NM_001256336.3); c.1369C>T, p.His457Tyr (NM_001256337.3, NM_001348456.2, NM_001348457.2 and 9 more transcripts); c.1600C>T, p.His534Tyr (NM_001256338.3); c.1996C>T, p.His666Tyr (NM_001348451.2, NM_001348452.2); c.1873C>T, p.His625Tyr (NM_001348453.2, NM_024568.4); c.1756C>T, p.His586Tyr (NM_001348454.2); c.1723C>T, p.His575Tyr (NM_001348455.2); short protein forms H666Y, H586Y, H638Y, H738Y, H575Y, H457Y, H534Y, H625Y.
Identifiers: ClinVar variation 4980023 (VCV004980023.1).
Genomic context (GRCh38, chr1:147,286,491, plus strand): 5'-AAGTACGTTAGTGGTGATGTCACCCACCCTCAGGCTGGGGCCGAGGATGCTCTCATTGTG[C>T]ACTGCGTAGGTACGAGAAGTGGTATGGGCTGGGGATGGGGGCCTCAGTCCTTATGGTGCC-3'
Protein context (NP_004275.4, residues 728-748): QAGAEDALIV[His738Tyr]CVDDSGHWGR

ClinVar aggregate classification (germline): Uncertain significance (1 of 4 stars; one submission).

Conditions:
CHD1L-related disorder. Also called: CHD1L-related condition.

gnomAD v4.1: 94 of 1,613,582 alleles (0.0058%); highest among the groups gnomAD compares: African/African-American, 0.11%; no homozygotes.

Submission:

PreventionGenetics, part of Exact Sciences
Classification: Uncertain significance for CHD1L-related condition. Last evaluated: 2025-04-21. Review status: criteria provided, single submitter. Criteria: ACMG Guidelines, 2015. Collection method: clinical testing. Allele origin: germline.
Comment: The CHD1L c.2212C>T variant is predicted to result in the amino acid substitution p.His738Tyr. To our knowledge, this variant has not been reported in the literature. This variant is reported in 0.14% of alleles in individuals of African descent in gnomAD. Although we suspect that this variant may be benign, at this time, the clinical significance of this variant is uncertain due to the absence of conclusive functional and genetic evidence.